The following is an entry in ClinVar:

ClinVar aggregate classification (germline): Uncertain significance (1 of 4 stars; one submission).

Conditions:
Leigh syndrome (NULS). Also called: Leigh's necrotizing encephalopathy; Leigh's disease; Leigh Syndrome (mtDNA deletion); Leigh Disease; Subacute necrotizing encephalopathy; Necrotizing encephalopathy infantile subacute of Leigh. Identifiers: Orphanet 506, MedGen C2931891, MONDO:0009723, OMIM 256000.

Submission:

Wong Mito Lab, Molecular and Human Genetics, Baylor College of Medicine
Classification: Uncertain significance for Leigh syndrome. Last evaluated: 2019-10-17. Review status: criteria provided, single submitter. Criteria: Modified ACMG Guidelines (Unpublished). Collection method: clinical testing. Allele origin: germline.
Comment: The NC_012920.1:m.6081G>T (YP_003024028.1:p.Ala60Ser) variant in MTCO1 gene is interpretated to be a Uncertain Significance variant based on the modified ACMG guidelines (unpublished). This variant meets the following evidence codes: BP4

NC_012920.1(MT-CO1):m.6081G>T

Gene: MT-CO1 (mitochondrially encoded cytochrome c oxidase I; plus strand).
Variant type: single nucleotide variant.
Genome position: chrM-6081-G-T.
Identifiers: ClinVar variation 692618 (VCV000692618.1), dbSNP rs1603220261, ClinGen allele CA414781587.